The following is an entry in ClinVar:

ClinVar aggregate classification (germline): Uncertain significance (1 of 4 stars; one submission).

Submission:

Dasa
Classification: Uncertain significance. Last evaluated: 2025-09-20. Review status: criteria provided, single submitter. Criteria: DASA Assertion Criteria. Collection method: clinical testing. Allele origin: germline.
Comment: NM_001386298.1(CIC):c.3718C>A (p.Pro1240Thr) is a missense variant that results in the substitution of proline with threonine. This variant is absent from population databases. Computational prediction algorithms are consistent with a benign effect. The currently available literature and clinical evidence are not sufficient to establish a definitive association between this variant and the reported condition. Therefore, this variant is classified as a variant of uncertain significance.

NM_001386298.1(CIC):c.3718C>A (p.Pro1240Thr)

Gene: CIC (capicua transcriptional repressor; plus strand). Cytogenetic location: 19q13.2.
Variant type: single nucleotide variant.
Coding change: c.3718C>A on transcript NM_001386298.1 (MANE Select); coding-DNA position 3718, C replaced by A.
Protein change: p.Pro1240Thr; replaces proline 1240 with threonine.
Molecular consequence: missense variant.
Genome position (GRCh38, 1-based): chr19:42,288,947, C>A. VCF-style: chr19-42288947-C-A. GRCh37 (hg19) VCF-style: chr19-42793099-C-A.
Other names: c.991C>A, p.Pro331Thr (NM_001439189.1, NM_001439190.1, NM_001439191.1 and 3 more transcripts); c.3718C>A, p.Pro1240Thr (NM_001304815.2, NM_001379480.1, NM_001379482.1 and 6 more transcripts); short protein forms P1240T, P331T.
Identifiers: ClinVar variation 4883607 (VCV004883607.2).
Genomic context (GRCh38, chr19:42,288,947, plus strand): 5'-GTGTCCTCTGAGCTCCTGTCCGTTGCAGCCCAGACACTCCTGAGCTCAGACACCAAGGCT[C>A]CGGGGAGCAGCTCCTGTGGGGCAGAACGGCTACACACAGTTGGGGGACCTGGCTCAGCCC-3'
Protein context (NP_001373227.1, residues 1230-1250): QTLLSSDTKA[Pro1240Thr]GSSSCGAERL